The following is an entry in ClinVar:

NM_203290.4(POLR1C):c.598G>A (p.Ala200Thr)

Gene: POLR1C (RNA polymerase I and III subunit C; plus strand). Cytogenetic location: 6p21.1.
Variant type: single nucleotide variant.
Coding change: c.598G>A on transcript NM_203290.4 (MANE Select); coding-DNA position 598, G replaced by A.
Protein change: p.Ala200Thr; replaces alanine 200 with threonine.
Molecular consequence: missense variant.
Genome position (GRCh38, 1-based): chr6:43,520,370, G>A. VCF-style: chr6-43520370-G-A. GRCh37 (hg19) VCF-style: chr6-43488108-G-A.
Other names: c.598G>A, p.Ala200Thr (NM_001318876.2, NM_001363658.2); c.598G>A (NM_203290.3); short protein forms A200T.
Identifiers: ClinVar variation 356877 (VCV000356877.9), dbSNP rs148979835, ClinGen allele CA3825502.

ClinVar aggregate classification (germline): Uncertain significance. Review status: criteria provided, multiple submitters, no conflicts (2 of 4 stars). 4 submissions from 4 submitters: Uncertain significance (4). Last evaluated 2026-04-30.

Conditions:
POLR1C-related disorder. Also called: POLR1C-related condition; POLR1C-related disorders. Identifiers: MedGen CN239394, MONDO:0700278.
Treacher Collins syndrome 3 (TCS3). Also called: POLR1C-Related Treacher Collins Syndrome. Identifiers: Orphanet 861, MedGen C1855433, MONDO:0009558, OMIM 248390.

Allele frequency attached by ClinVar (database versions not stated): ExAC 0.00007; gnomAD exomes 0.00008 and 0.00020; TOPMed 0.00009; gnomAD 0.00010 and 0.00013; ESP Exome Variant Server 0.00031.
gnomAD v4.1: 304 of 1,613,652 alleles (0.019%); highest among the groups gnomAD compares: Middle Eastern, 0.049%; no homozygotes.

Submissions (4):

PreventionGenetics, part of Exact Sciences
Classification: Uncertain significance for POLR1C-related condition. Last evaluated: 2026-04-30. Review status: criteria provided, single submitter. Criteria: ACMG Guidelines, 2015. Collection method: clinical testing. Allele origin: germline.
Comment: The POLR1C c.598G>A variant is predicted to result in the amino acid substitution p.Ala200Thr. To our knowledge, this variant has not been reported in the literature. This variant is reported in 0.013% of alleles in individuals of European (Non-Finnish) descent in gnomAD. At this time, the clinical significance of this variant is uncertain due to the absence of conclusive functional and genetic evidence.

Blueprint Genetics
Classification: Uncertain significance. Last evaluated: 2024-06-10. Review status: criteria provided, single submitter. Criteria: ACMG Guidelines, 2015. Collection method: clinical testing. Allele origin: germline.

Labcorp Genetics (formerly Invitae), Labcorp
Classification: Uncertain significance. Last evaluated: 2022-08-15. Review status: criteria provided, single submitter. Criteria: Invitae Variant Classification Sherloc (09022015). Collection method: clinical testing. Allele origin: germline.
Comment: This sequence change replaces alanine with threonine at codon 200 of the POLR1C protein (p.Ala200Thr). The alanine residue is highly conserved and there is a small physicochemical difference between alanine and threonine. This variant is present in population databases (rs148979835, gnomAD 0.01%). This variant has not been reported in the literature in individuals affected with POLR1C-related conditions. ClinVar contains an entry for this variant (Variation ID: 356877). Algorithms developed to predict the effect of missense changes on protein structure and function output the following: SIFT: "Not Available"; PolyPhen-2: "Benign"; Align-GVGD: "Not Available". The threonine amino acid residue is found in multiple mammalian species, which suggests that this missense change does not adversely affect protein function. In summary, the available evidence is currently insufficient to determine the role of this variant in disease. Therefore, it has been classified as a Variant of Uncertain Significance.

Illumina Laboratory Services, Illumina
Classification: Uncertain significance for Treacher Collins syndrome 3. Last evaluated: 2018-01-12. Review status: criteria provided, single submitter. Criteria: ICSL Variant Classification Criteria 13 December 2019. Collection method: clinical testing. Allele origin: germline.